The following is an entry in ClinVar:

NM_182920.2(ADAMTS9):c.1446T>C (p.Tyr482=)

Gene: ADAMTS9 (ADAM metallopeptidase with thrombospondin type 1 motif 9; minus strand). Cytogenetic location: 3p14.1.
Variant type: single nucleotide variant.
Coding change: c.1446T>C on transcript NM_182920.2 (MANE Select); coding-DNA position 1446, T replaced by C.
Protein change: p.Tyr482=; no amino-acid change (tyrosine 482 retained).
Molecular consequence: synonymous variant.
Genome position (GRCh38, 1-based): chr3:64,651,034, A>G on the plus strand (T>C on the coding strand, the complement: ADAMTS9 is on the minus strand). VCF-style: chr3-64651034-A-G. GRCh37 (hg19) VCF-style: chr3-64636710-A-G.
Other names: c.1362T>C, p.Tyr454= (NM_001318781.2).
Identifiers: ClinVar variation 3234485 (VCV003234485.20), dbSNP rs150093472, ClinGen allele CA2481544.

ClinVar aggregate classification (germline): Likely benign (1 of 4 stars; one submission).

Allele frequency attached by ClinVar (database versions not stated): ExAC 0.00008; TOPMed 0.00022; gnomAD 0.00023; gnomAD exomes 0.00029; ESP Exome Variant Server 0.00046.
gnomAD v4.1: 468 of 1,604,902 alleles (0.029%); highest among the groups gnomAD compares: Non-Finnish European, 0.037%; no homozygotes.

Submission:

CeGaT Center for Human Genetics Tuebingen
Classification: Likely benign. Last evaluated: 2024-04-01. Review status: criteria provided, single submitter. Criteria: CeGaT Center For Human Genetics Tuebingen Variant Classification Criteria Version 2. Collection method: clinical testing. Allele origin: germline. Affected: yes. Observed: 1 variant allele.
Comment: ADAMTS9: BP4, BP7